The following is an entry in ClinVar:

NM_024675.4(PALB2):c.2150A>G (p.Asp717Gly)

Gene: PALB2 (partner and localizer of BRCA2; minus strand). Cytogenetic location: 16p12.2.
Variant type: single nucleotide variant.
Coding change: c.2150A>G on transcript NM_024675.4 (MANE Select); coding-DNA position 2150, A replaced by G.
Protein change: p.Asp717Gly; replaces aspartic acid 717 with glycine.
Molecular consequence: missense variant.
Genome position (GRCh38, 1-based): chr16:23,630,004, T>C on the plus strand (A>G on the coding strand, the complement: PALB2 is on the minus strand). VCF-style: chr16-23630004-T-C. GRCh37 (hg19) VCF-style: chr16-23641325-T-C.
Other names: short protein forms D717G.
Identifiers: ClinVar variation 631042 (VCV000631042.8), dbSNP rs1555460469, ClinGen allele CA395125696.

ClinVar aggregate classification (germline): Uncertain significance. Review status: criteria provided, multiple submitters, no conflicts (2 of 4 stars). 2 submissions from 2 submitters: Uncertain significance (2). Last evaluated 2025-03-31.

Conditions:
Hereditary cancer-predisposing syndrome. Also called: Tumor predisposition; Neoplastic Syndromes, Hereditary; Hereditary neoplastic syndrome; Hereditary Cancer Syndrome. Identifiers: Orphanet 140162, MedGen C0027672, MeSH D009386, MONDO:0015356.
Familial cancer of breast. Also called: hereditary breast carcinoma; BREAST CANCER, FAMILIAL; Hereditary breast cancer. Identifiers: Orphanet 227535, MedGen C0346153, MONDO:0016419, OMIM 114480. Disease mechanism: loss of function.

Submissions (2):

Labcorp Genetics (formerly Invitae), Labcorp
Classification: Uncertain significance for Familial cancer of breast. Last evaluated: 2025-03-31. Review status: criteria provided, single submitter. Criteria: Invitae Variant Classification Sherloc (09022015). Collection method: clinical testing. Allele origin: germline.
Comment: This sequence change replaces aspartic acid, which is acidic and polar, with glycine, which is neutral and non-polar, at codon 717 of the PALB2 protein (p.Asp717Gly). This variant is not present in population databases (gnomAD no frequency). This variant has not been reported in the literature in individuals affected with PALB2-related conditions. ClinVar contains an entry for this variant (Variation ID: 631042). Invitae Evidence Modeling of protein sequence and biophysical properties (such as structural, functional, and spatial information, amino acid conservation, physicochemical variation, residue mobility, and thermodynamic stability) indicates that this missense variant is not expected to disrupt PALB2 protein function with a negative predictive value of 80%. In summary, the available evidence is currently insufficient to determine the role of this variant in disease. Therefore, it has been classified as a Variant of Uncertain Significance.

Color Diagnostics, LLC DBA Color Health
Classification: Uncertain significance for Hereditary cancer-predisposing syndrome. Last evaluated: 2023-12-05. Review status: criteria provided, single submitter. Criteria: ACMG Guidelines, 2015. Collection method: clinical testing. Allele origin: germline.
Comment: This missense variant replaces aspartic acid with glycine at codon 717 of the PALB2 protein. Computational prediction suggests that this variant may not impact protein structure and function (internally defined REVEL score threshold <= 0.5, PMID: 27666373). To our knowledge, functional studies have not been reported for this variant. This variant has not been reported in individuals affected with PALB2-related disorders in the literature. This variant has not been identified in the general population by the Genome Aggregation Database (gnomAD). The available evidence is insufficient to determine the role of this variant in disease conclusively. Therefore, this variant is classified as a Variant of Uncertain Significance.